The following is an entry in ClinVar:

ClinVar aggregate classification (germline): Conflicting classifications of pathogenicity. Review status: criteria provided, conflicting classifications (1 of 4 stars). 19 submissions from 19 submitters: Uncertain significance (2); Benign (9); Likely benign (3). 5 of the submissions do not count toward it. Last evaluated 2026-09-01.

Conditions:
Cardiovascular phenotype. Identifiers: MedGen CN230736.
Autosomal recessive limb-girdle muscular dystrophy type 2J (LGMDR10). Also called: Limb-girdle muscular dystrophy, type 2J; MUSCULAR DYSTROPHY, LIMB-GIRDLE, AUTOSOMAL RECESSIVE 10. Identifiers: Orphanet 140922, MedGen C1837342, MONDO:0012127, OMIM 608807.
Dilated cardiomyopathy 1G (CMD1G). Identifiers: Orphanet 154, MedGen C1858763, MONDO:0011400, OMIM 604145.
Cardiomyopathy (CMYO). Also called: Cardiomyopathies. Identifiers: Orphanet 167848, MedGen C0878544, MONDO:0004994, HP:0001638. Inheritance: Various modes of inheritance.
Tip-toe gait. Also called: Toe walking. Identifiers: MedGen C0427144, HP:0030051.

Allele frequency attached by ClinVar (database versions not stated): gnomAD exomes 0.00377 and 0.00239; 1000 Genomes Project 30x 0.00203; 1000 Genomes Project 0.00220; gnomAD 0.00274 and 0.00277; ExAC 0.00334; ESP Exome Variant Server 0.00057; TOPMed 0.00059.
gnomAD v4.1: 3,864 of 1,613,582 alleles (0.24%); highest among the groups gnomAD compares: South Asian, 0.72%; 28 homozygotes.

Submissions (19):

CeGaT Center for Human Genetics Tuebingen
Classification: Likely benign. Last evaluated: 2026-09-01. Review status: criteria provided, single submitter. Criteria: CeGaT Center For Human Genetics Tuebingen Variant Classification Criteria Version 2. Collection method: clinical testing. Allele origin: germline. Affected: yes. Observed: 10 variant alleles.
Comment: TTN: BS2

Labcorp Genetics (formerly Invitae), Labcorp
Classification: Benign for Dilated cardiomyopathy 1G; Autosomal recessive limb-girdle muscular dystrophy type 2J. Last evaluated: 2026-02-03. Review status: criteria provided, single submitter. Criteria: Invitae Variant Classification Sherloc (09022015). Collection method: clinical testing. Allele origin: germline.

Athena Diagnostics
Classification: Benign. Last evaluated: 2025-07-02. Review status: criteria provided, single submitter. Criteria: Athena Diagnostics Criteria. Collection method: clinical testing. Allele origin: unknown.
Comment: The frequency of this variant in the general population is higher than would generally be expected for pathogenic variants in this gene.

Molecular Diagnostic Laboratory for Inherited Cardiovascular Disease, Montreal Heart Institute
Classification: Benign. Last evaluated: 2025-04-09. Review status: criteria provided, single submitter. Criteria: ACMG Guidelines, 2015. Collection method: clinical testing. Allele origin: germline. Affected: no.

ARUP Laboratories, Molecular Genetics and Genomics, ARUP Laboratories
Classification: Benign. Last evaluated: 2025-03-03. Review status: criteria provided, single submitter. Criteria: ARUP Molecular Germline Variant Investigation Process 2024. Collection method: clinical testing. Allele origin: germline.

Blueprint Genetics
Classification: Likely benign. Last evaluated: 2024-11-25. Review status: criteria provided, single submitter. Criteria: ACMG Guidelines, 2015. Collection method: clinical testing. Allele origin: germline.

Women's Health and Genetics/Laboratory Corporation of America, LabCorp
Classification: Likely benign. Last evaluated: 2020-06-10. Review status: criteria provided, single submitter. Criteria: LabCorp Variant Classification Summary - May 2015. Collection method: clinical testing. Allele origin: germline.

Ambry Genetics
Classification: Benign for Cardiovascular phenotype. Last evaluated: 2018-10-31. Review status: criteria provided, single submitter. Criteria: Ambry Variant Classification Scheme 2023. Collection method: clinical testing. Allele origin: germline.

GeneDx
Classification: Benign. Last evaluated: 2017-04-20. Review status: criteria provided, single submitter. Criteria: GeneDx Variant Classification (06012015). Collection method: clinical testing. Allele origin: germline. Affected: yes.
Comment: This variant is considered likely benign or benign based on one or more of the following criteria: it is a conservative change, it occurs at a poorly conserved position in the protein, it is predicted to be benign by multiple in silico algorithms, and/or has population frequency not consistent with disease.

CHEO Genetics Diagnostic Laboratory, Children's Hospital of Eastern Ontario
Classification: Benign for Cardiomyopathy. Last evaluated: 2017-02-03. Review status: criteria provided, single submitter. Criteria: ACMG Guidelines, 2015. Collection method: clinical testing. Allele origin: germline. Study: Canadian Open Genetics Repository.

Laboratory for Molecular Medicine, Mass General Brigham Personalized Medicine
Classification: Benign. Last evaluated: 2015-08-13. Review status: criteria provided, single submitter. Criteria: LMM Criteria. Collection method: clinical testing. Allele origin: germline. Observed: 7 variant alleles.
Comment: p.Glu31815Gln in exon 307 of TTN: This variant is not expected to have clinical significance because it has been identified in 2.5% (166/6612) of Finnish chromo somes by the Exome Aggregation Consortium (ExAC; dbSNP rs148525155).

Eurofins Ntd Llc (ga)
Classification: Benign. Last evaluated: 2015-03-06. Review status: criteria provided, single submitter. Criteria: EGL Classification Definitions 2015. Collection method: clinical testing. Allele origin: germline. Observed: 3 variant alleles, 3 heterozygotes.

Genetic Services Laboratory, University of Chicago
Classification: Uncertain significance. Last evaluated: 2013-12-23. Review status: criteria provided, single submitter. Criteria: ACMG Guidelines, 2007. Collection method: clinical testing. Allele origin: germline.

Biesecker Lab/Clinical Genomics Section, National Institutes of Health
Classification: Uncertain significance. Last evaluated: 2013-06-24. Review status: criteria provided, single submitter. Criteria: Ng et al. (Circ Cardiovasc Genet. 2013). Collection method: research. Allele origin: unknown. Observed: 1 variant allele. Study: ClinSeq.
Comment: The study set was not selected for affection status in relation to any cancer. Pathogenicity categories were based on literature curation. See Pubmed ID:23861362 for details.

Medical sequencing

Clinical Genetics DNA and cytogenetics Diagnostics Lab, Erasmus MC, Erasmus Medical Center
Classification: Likely benign. Review status: no assertion criteria provided. Collection method: clinical testing. Allele origin: germline. Affected: yes. Study: VKGL Data-share Consensus. Not counted in ClinVar's aggregate classification.

Clinical Genetics, Academic Medical Center
Classification: Benign. Review status: no assertion criteria provided. Collection method: clinical testing. Allele origin: germline. Affected: yes. Study: VKGL Data-share Consensus. Not counted in ClinVar's aggregate classification.

Diagnostic Laboratory, Department of Genetics, University Medical Center Groningen
Classification: Benign. Review status: no assertion criteria provided. Collection method: clinical testing. Allele origin: germline. Affected: yes. Study: VKGL Data-share Consensus. Not counted in ClinVar's aggregate classification.

Joint Genome Diagnostic Labs from Nijmegen and Maastricht, Radboudumc and MUMC+
Classification: Benign. Review status: no assertion criteria provided. Collection method: clinical testing. Allele origin: germline. Affected: yes. Study: VKGL Data-share Consensus. Not counted in ClinVar's aggregate classification.

Practice for Gait Abnormalities, David Pomarino, Competency Network Toe Walking C/o Practice Pomarino
Classification: Likely pathogenic for Tip-toe gait. Review status: no assertion criteria provided. Collection method: clinical testing. Allele origin: germline. Affected: yes. Not counted in ClinVar's aggregate classification.
Comment: Myopathy refers to diseases that affect skeletal Muscles. These diseases attack muscle fibers, making muscles weak. Inherited myopathies are often caused by inheriting an abnormal gene mutation from a parent that causes the disease. Symptoms of congenital myopathies usually start at birth or in early childhood, but may not appear until the teen years or even later in adulthood. Congenital myopathies are somewhat unique compared with other inherited myopathies, as weakness typically affects all muscles and is often not progressive. Symptoms are: Muscle weakness, most commonly of upper arms and shoulders and thighs, muscle cramps, stiffness and spasms, fatigue with exertion and lack of energy. Our patients all walk on tiptoe, so they show similar symptoms. When we genetically test them with our toe walking panel, we find that around 90 per cent of them have a genetic variant that explains their toe walking. These can be assigned, for example, to the area of myopathies (such as variants of the COL6A3 gene), the area of hereditary neuropathies (such as variants of the KMT2C gene) or the area of metabolic diseases (such as variants of the PYGM gene). In a smaller group of patients with almost identical symptoms, no abnormality is found in the genes of our panel, but spastic paraplegia can be detected. In another small group of our toe walkers, no abnormalities can be detected in the genes analysed in our toe walking panel, nor do they suffer from spastic paraplegia, as is also the case with healthy children. In contrast to these, however, they show a tiptoe gait. These patients suffer from infantile cerebral palsy, in which toe walking can also be observed.

Literature cited by the submitters: PubMed 23033978 (cited by Athena Diagnostics); PubMed 37091313 (cited by Practice for Gait Abnormalities, David Pomarino, Competency Network Toe Walking C/o Practice Pomarino).

NM_001267550.2(TTN):c.103147G>C (p.Glu34383Gln)

Genes: TTN (titin; minus strand), TTN-AS1 (TTN antisense RNA 1; plus strand). Cytogenetic location: 2q31.2.
Variant type: single nucleotide variant.
Coding change: c.103147G>C on transcript NM_001267550.2 (MANE Select); coding-DNA position 103147, G replaced by C.
Protein change: p.Glu34383Gln; replaces glutamic acid 34383 with glutamine.
Molecular consequence: missense variant.
Genome position (GRCh38, 1-based): chr2:178,533,468, C>G on the plus strand (G>C on the coding strand, the complement: TTN is on the minus strand). VCF-style: chr2-178533468-C-G. GRCh37 (hg19) VCF-style: chr2-179398195-C-G.
Other names: p.E32742Q:GAG>CAG; c.75952G>C, p.Glu25318Gln (NM_003319.4); c.76327G>C, p.Glu25443Gln (NM_133432.3); c.76528G>C, p.Glu25510Gln (NM_133437.4); c.98224G>C, p.Glu32742Gln (NM_001256850.1); c.95443G>C, p.Glu31815Gln (NM_133378.4); short protein forms E34383Q, E31815Q, E32742Q, E25318Q, E25510Q, E25443Q.
Identifiers: ClinVar variation 130690 (VCV000130690.71), dbSNP rs148525155, ClinGen allele CA181560.
Genomic context (GRCh38, chr2:178,533,468, plus strand): 5'-GTGGCTGACCATCTTTCTCCCATTTTAATGTTGGTGGGGGGATGCCAGACACTCTGATCT[C>G]AAAGCAGACACTTTGGCCTTCTTGGCATTCTGCATTTGCCAGTAACCTTTTGAACATGGG-3'
Protein context (NP_001254479.2, residues 34373-34393): ECQEGQSVCF[Glu34383Gln]IRVSGIPPPT